The following is an entry in ClinVar:

NM_000075.4(CDK4):c.653C>A (p.Ser218Tyr)

Genes: CDK4 (cyclin dependent kinase 4; minus strand), TSPAN31 (tetraspanin 31; plus strand). Cytogenetic location: 12q14.1.
Variant type: single nucleotide variant.
Coding change: c.653C>A on transcript NM_000075.4 (MANE Select); coding-DNA position 653, C replaced by A.
Protein change: p.Ser218Tyr; replaces serine 218 with tyrosine.
Molecular consequence: missense variant. On other transcripts: 3 prime UTR variant (3).
Genome position (GRCh38, 1-based): chr12:57,749,484, G>T on the plus strand (C>A on the coding strand, the complement: CDK4 is on the minus strand). VCF-style: chr12-57749484-G-T. GRCh37 (hg19) VCF-style: chr12-58143267-G-T.
Other names: c.*2194G>T (NM_001330168.2, NM_001330169.2, NM_005981.5); short protein forms S218Y.
Identifiers: ClinVar variation 854997 (VCV000854997.10), dbSNP rs1955206224, ClinGen allele CA385544114.

ClinVar aggregate classification (germline): Conflicting classifications of pathogenicity. Review status: criteria provided, conflicting classifications (1 of 4 stars). 2 submissions from 2 submitters: Uncertain significance (1); Likely benign (1). Last evaluated 2025-03-12.

Conditions:
Familial melanoma. Also called: Hereditary melanoma; Hereditary cutaneous melanoma. Identifiers: Orphanet 618, MedGen C1512419, MONDO:0018961.
Hereditary cancer-predisposing syndrome. Also called: Neoplastic Syndromes, Hereditary; Hereditary Cancer Syndrome; Tumor predisposition; Hereditary neoplastic syndrome. Identifiers: Orphanet 140162, MedGen C0027672, MeSH D009386, MONDO:0015356.

Submissions (2):

Ambry Genetics
Classification: Likely benign for Hereditary cancer-predisposing syndrome. Last evaluated: 2025-03-12. Review status: criteria provided, single submitter. Criteria: Ambry Variant Classification Scheme 2023. Collection method: clinical testing. Allele origin: germline.

Labcorp Genetics (formerly Invitae), Labcorp
Classification: Uncertain significance for Familial melanoma. Last evaluated: 2022-11-08. Review status: criteria provided, single submitter. Criteria: Invitae Variant Classification Sherloc (09022015). Collection method: clinical testing. Allele origin: germline.
Comment: Algorithms developed to predict the effect of missense changes on protein structure and function (SIFT, PolyPhen-2, Align-GVGD) all suggest that this variant is likely to be disruptive. In summary, the available evidence is currently insufficient to determine the role of this variant in disease. Therefore, it has been classified as a Variant of Uncertain Significance. ClinVar contains an entry for this variant (Variation ID: 854997). This variant has not been reported in the literature in individuals affected with CDK4-related conditions. This variant is not present in population databases (gnomAD no frequency). This sequence change replaces serine, which is neutral and polar, with tyrosine, which is neutral and polar, at codon 218 of the CDK4 protein (p.Ser218Tyr).